The following is an entry in ClinVar:

ClinVar aggregate classification (germline): Uncertain significance. Review status: criteria provided, multiple submitters, no conflicts (2 of 4 stars). 3 submissions from 3 submitters: Uncertain significance (3). Last evaluated 2025-02-20.

Conditions:
Intellectual developmental disorder with gastrointestinal difficulties and high pain threshold (JDVS). Also called: JANSEN-DE VRIES SYNDROME. Identifiers: Orphanet 653767, MedGen C4479517, MONDO:0044318, OMIM 617450.
Inborn genetic diseases. Identifiers: MedGen C0950123, MeSH D030342.

gnomAD v4.1: 4 of 1,577,878 alleles (0.00025%); highest among the groups gnomAD compares: Admixed American, 0.0037%; no homozygotes.

Submissions (3):

Labcorp Genetics (formerly Invitae), Labcorp
Classification: Uncertain significance. Last evaluated: 2025-02-20. Review status: criteria provided, single submitter. Criteria: Invitae Variant Classification Sherloc (09022015). Collection method: clinical testing. Allele origin: germline.
Comment: This sequence change replaces serine, which is neutral and polar, with arginine, which is basic and polar, at codon 89 of the PPM1D protein (p.Ser89Arg). This variant is present in population databases (no rsID available, gnomAD no frequency). This variant has not been reported in the literature in individuals affected with PPM1D-related conditions. ClinVar contains an entry for this variant (Variation ID: 1341773). An algorithm developed to predict the effect of missense changes on protein structure and function (PolyPhen-2) suggests that this variant is likely to be tolerated. In summary, the available evidence is currently insufficient to determine the role of this variant in disease. Therefore, it has been classified as a Variant of Uncertain Significance.

Ambry Genetics
Classification: Uncertain significance for Inborn genetic diseases. Last evaluated: 2024-01-12. Review status: criteria provided, single submitter. Criteria: Ambry Variant Classification Scheme 2023. Collection method: clinical testing. Allele origin: germline.

New York Genome Center
Classification: Uncertain significance for Intellectual developmental disorder with gastrointestinal difficulties and high pain threshold. Last evaluated: 2021-01-29. Review status: criteria provided, single submitter. Criteria: NYGC Assertion Criteria 2020. Collection method: clinical testing. Allele origin: germline. Observed: 1 heterozygote. Study: CSER-NYCKidSeq.

NM_003620.4(PPM1D):c.267C>G (p.Ser89Arg)

Gene: PPM1D (protein phosphatase, Mg2+/Mn2+ dependent 1D; plus strand). Cytogenetic location: 17q23.2.
Variant type: single nucleotide variant.
Coding change: c.267C>G on transcript NM_003620.4 (MANE Select); coding-DNA position 267, C replaced by G.
Protein change: p.Ser89Arg; replaces serine 89 with arginine.
Molecular consequence: missense variant.
Genome position (GRCh38, 1-based): chr17:60,600,681, C>G. VCF-style: chr17-60600681-C-G. GRCh37 (hg19) VCF-style: chr17-58678042-C-G.
Other names: short protein forms S89R.
Identifiers: ClinVar variation 1341773 (VCV001341773.5), dbSNP rs900654745, ClinGen allele CA292225498.